The following is an entry in ClinVar:

ClinVar aggregate classification (germline): Uncertain significance (1 of 4 stars; one submission).

Conditions:
Hereditary cancer-predisposing syndrome. Also called: Neoplastic Syndromes, Hereditary; Tumor predisposition; Hereditary neoplastic syndrome; Hereditary Cancer Syndrome. Identifiers: Orphanet 140162, MedGen C0027672, MeSH D009386, MONDO:0015356.

Submission:

Ambry Genetics
Classification: Uncertain significance for Hereditary cancer-predisposing syndrome. Last evaluated: 2024-06-08. Review status: criteria provided, single submitter. Criteria: Ambry Variant Classification Scheme 2023. Collection method: clinical testing. Allele origin: germline.
Comment: The p.G1472D variant (also known as c.4415G>A), located in coding exon 33 of the TSC2 gene, results from a G to A substitution at nucleotide position 4415. The glycine at codon 1472 is replaced by aspartic acid, an amino acid with similar properties. This amino acid position is conserved. In addition, the in silico prediction for this alteration is inconclusive. Based on the available evidence, the clinical significance of this variant remains unclear.

NM_000548.5(TSC2):c.4415G>A (p.Gly1472Asp)

Gene: TSC2 (TSC complex subunit 2; plus strand). Cytogenetic location: 16p13.3.
Variant type: single nucleotide variant.
Coding change: c.4415G>A on transcript NM_000548.5 (MANE Select); coding-DNA position 4415, G replaced by A.
Protein change: p.Gly1472Asp; replaces glycine 1472 with aspartic acid.
Molecular consequence: missense variant. On other transcripts: non-coding transcript variant (5).
Genome position (GRCh38, 1-based): chr16:2,084,637, G>A. VCF-style: chr16-2084637-G-A. GRCh37 (hg19) VCF-style: chr16-2134638-G-A.
Other names: c.4214G>A, p.Gly1405Asp (NM_001077183.3); c.4346G>A, p.Gly1449Asp (NM_001114382.3); c.4307G>A, p.Gly1436Asp (NM_001406667.1); c.4304G>A, p.Gly1435Asp (NM_001406668.1); c.4235G>A, p.Gly1412Asp (NM_001406670.1); c.4205G>A, p.Gly1402Asp (NM_001406671.1); c.4202G>A, p.Gly1401Asp (NM_001406673.1); c.4199G>A, p.Gly1400Asp (NM_001406675.1); and 26 more; short protein forms G1001D, G1272D, G1368D, G1386D, G1401D, G1412D, G1416D, G1436D.
Identifiers: ClinVar variation 3329529 (VCV003329529.1).